The following is an entry in ClinVar:

ClinVar aggregate classification (germline): Uncertain significance (1 of 4 stars; one submission).

Conditions:
Immunodeficiency-centromeric instability-facial anomalies syndrome 2 (ICF2). Identifiers: Orphanet 2268, MedGen C3279748, MONDO:0013553, OMIM 614069.

Submission:

Labcorp Genetics (formerly Invitae), Labcorp
Classification: Uncertain significance for Immunodeficiency-centromeric instability-facial anomalies syndrome 2. Last evaluated: 2022-12-29. Review status: criteria provided, single submitter. Criteria: Invitae Variant Classification Sherloc (09022015). Collection method: clinical testing. Allele origin: germline.
Comment: This sequence change replaces histidine, which is basic and polar, with arginine, which is basic and polar, at codon 316 of the ZBTB24 protein (p.His316Arg). This variant is not present in population databases (gnomAD no frequency). This variant has not been reported in the literature in individuals affected with ZBTB24-related conditions. Algorithms developed to predict the effect of missense changes on protein structure and function are either unavailable or do not agree on the potential impact of this missense change (SIFT: "Not Available"; PolyPhen-2: "Probably Damaging"; Align-GVGD: "Not Available"). In summary, the available evidence is currently insufficient to determine the role of this variant in disease. Therefore, it has been classified as a Variant of Uncertain Significance.

NM_014797.3(ZBTB24):c.947A>G (p.His316Arg)

Gene: ZBTB24 (zinc finger and BTB domain containing 24; minus strand). Cytogenetic location: 6q21.
Variant type: single nucleotide variant.
Coding change: c.947A>G on transcript NM_014797.3 (MANE Select); coding-DNA position 947, A replaced by G.
Protein change: p.His316Arg; replaces histidine 316 with arginine.
Molecular consequence: missense variant.
Genome position (GRCh38, 1-based): chr6:109,481,080, T>C on the plus strand (A>G on the coding strand, the complement: ZBTB24 is on the minus strand). VCF-style: chr6-109481080-T-C. GRCh37 (hg19) VCF-style: chr6-109802283-T-C.
Other names: c.947A>G, p.His316Arg (NM_001164313.2); short protein forms H316R.
Identifiers: ClinVar variation 2824515 (VCV002824515.3), dbSNP rs2482880554, ClinGen allele CA365207162.